The following is an entry in ClinVar:

ClinVar aggregate classification (germline): Uncertain significance (1 of 4 stars; one submission).

Conditions:
Deafness-lymphedema-leukemia syndrome. Also called: Lymphedema, primary, with myelodysplasia; Emberger syndrome. Identifiers: Orphanet 3226, MedGen C3279664, MONDO:0013540, OMIM 614038.
Monocytopenia with susceptibility to infections. Also called: MONOCYTOPENIA AND MYCOBACTERIAL INFECTION SYNDROME; MONOCYTOPENIA WITH SUSCEPTIBILITY TO MYCOBACTERIAL, FUNGAL, AND PAPILLOMAVIRUS INFECTIONS AND MYELODYSPLASIA; COMBINED IMMUNODEFICIENCY WITH SUSCEPTIBILITY TO MYCOBACTERIAL, VIRAL, AND FUNGAL INFECTIONS; Dendritic cell, monocyte, B lymphocyte, and natural killer lymphocyte deficiency; IMMUNODEFICIENCY 21; GATA2 DEFICIENCY. Identifiers: Orphanet 228423, MedGen C3280030, MONDO:0013607, OMIM 614172.

Allele frequency attached by ClinVar (database versions not stated): gnomAD exomes below 0.00001.
gnomAD v4.1: 1 of 1,614,088 alleles (0.000062%); highest among the groups gnomAD compares: Admixed American, 0.0017%; no homozygotes.

Submission:

Labcorp Genetics (formerly Invitae), Labcorp
Classification: Uncertain significance for Monocytopenia with susceptibility to infections; Deafness-lymphedema-leukemia syndrome. Last evaluated: 2023-10-15. Review status: criteria provided, single submitter. Criteria: Invitae Variant Classification Sherloc (09022015). Collection method: clinical testing. Allele origin: germline.
Comment: This sequence change replaces leucine, which is neutral and non-polar, with valine, which is neutral and non-polar, at codon 305 of the GATA2 protein (p.Leu305Val). This variant is not present in population databases (gnomAD no frequency). This variant has not been reported in the literature in individuals affected with GATA2-related conditions. Advanced modeling of protein sequence and biophysical properties (such as structural, functional, and spatial information, amino acid conservation, physicochemical variation, residue mobility, and thermodynamic stability) has been performed at Invitae for this missense variant, however the output from this modeling did not meet the statistical confidence thresholds required to predict the impact of this variant on GATA2 protein function. In summary, the available evidence is currently insufficient to determine the role of this variant in disease. Therefore, it has been classified as a Variant of Uncertain Significance.

NM_032638.5(GATA2):c.913C>G (p.Leu305Val)

Gene: GATA2 (GATA binding protein 2; minus strand). Cytogenetic location: 3q21.3.
Variant type: single nucleotide variant.
Coding change: c.913C>G on transcript NM_032638.5 (MANE Select); coding-DNA position 913, C replaced by G.
Protein change: p.Leu305Val; replaces leucine 305 with valine.
Molecular consequence: missense variant.
Genome position (GRCh38, 1-based): chr3:128,483,964, G>C on the plus strand (C>G on the coding strand, the complement: GATA2 is on the minus strand). VCF-style: chr3-128483964-G-C. GRCh37 (hg19) VCF-style: chr3-128202807-G-C.
Other names: c.913C>G, p.Leu305Val (NM_001145661.2, NM_001145662.1); short protein forms L305V.
Identifiers: ClinVar variation 2939486 (VCV002939486.3), dbSNP rs2472925108, ClinGen allele CA354404767.